The following is an entry in ClinVar:

ClinVar aggregate classification (germline): Pathogenic (1 of 4 stars; one submission).

Conditions:
Dextro-looped transposition of the great arteries. Also called: Dextrotransposition of the great arteries. Identifiers: Orphanet 860, MedGen C3531771, MONDO:0019443, OMIM 608808, HP:0031348.

Submission:

Labcorp Genetics (formerly Invitae), Labcorp
Classification: Pathogenic for Dextro-looped transposition of the great arteries. Last evaluated: 2019-08-13. Review status: criteria provided, single submitter. Criteria: Invitae Variant Classification Sherloc (09022015). Collection method: clinical testing. Allele origin: germline.
Comment: This variant has not been reported in the literature in individuals with MED13L-related conditions. For these reasons, this variant has been classified as Pathogenic. Loss-of-function variants in MED13L are known to be pathogenic (PMID: 23403903). This variant is not present in population databases (ExAC no frequency). This sequence change creates a premature translational stop signal (p.Glu238*) in the MED13L gene. It is expected to result in an absent or disrupted protein product.

Literature cited by the submitters: PubMed 23403903.

NM_015335.5(MED13L):c.712G>T (p.Glu238Ter)

Gene: MED13L (mediator complex subunit 13L; minus strand). Cytogenetic location: 12q24.21.
Variant type: single nucleotide variant.
Coding change: c.712G>T on transcript NM_015335.5 (MANE Select); coding-DNA position 712, G replaced by T.
Protein change: p.Glu238Ter; replaces glutamic acid 238 with a stop codon.
Molecular consequence: nonsense.
Genome position (GRCh38, 1-based): chr12:116,019,886, C>A on the plus strand (G>T on the coding strand, the complement: MED13L is on the minus strand). VCF-style: chr12-116019886-C-A. GRCh37 (hg19) VCF-style: chr12-116457691-C-A.
Other names: short protein forms E238*.
Identifiers: ClinVar variation 947607 (VCV000947607.8), dbSNP rs1879953298, ClinGen allele CA386871164.